The following is an entry in ClinVar:

ClinVar aggregate classification (germline): Likely benign. Review status: criteria provided, single submitter (1 of 4 stars). 2 submissions from 2 submitters: Likely benign (1). 1 of the submissions does not count toward it. Last evaluated 2025-10-01.

Conditions:
DNM2-related disorder. Also called: DNM2-related condition.
Charcot-Marie-Tooth disease dominant intermediate B (CMTDIB). Also called: CHARCOT-MARIE-TOOTH NEUROPATHY, DOMINANT INTERMEDIATE B; Charcot-Marie-Tooth disease dominant intermediate 1; CMT DI1; Charcot-Marie-Tooth disease dominant intermediate I. Identifiers: Orphanet 100044, Orphanet 228179, MedGen C1847902, MONDO:0011674, OMIM 606482.

Allele frequency attached by ClinVar (database versions not stated): gnomAD 0.00005; TOPMed 0.00006; gnomAD exomes 0.00007 and 0.00012; ExAC 0.00011; 1000 Genomes Project 30x 0.00016; 1000 Genomes Project 0.00020.
gnomAD v4.1: 118 of 1,614,076 alleles (0.0073%); highest among the groups gnomAD compares: East Asian, 0.12%; no homozygotes.

Submissions (2):

Labcorp Genetics (formerly Invitae), Labcorp
Classification: Likely benign for Charcot-Marie-Tooth disease dominant intermediate B. Last evaluated: 2025-10-01. Review status: criteria provided, single submitter. Criteria: Invitae Variant Classification Sherloc (09022015). Collection method: clinical testing. Allele origin: germline.

PreventionGenetics, part of Exact Sciences
Classification: Likely benign for DNM2-related condition. Last evaluated: 2019-03-21. Review status: no assertion criteria provided. Collection method: clinical testing. Allele origin: germline. Not counted in ClinVar's aggregate classification.
Comment: This variant is classified as likely benign based on ACMG/AMP sequence variant interpretation guidelines (Richards et al. 2015 PMID: 25741868, with internal and published modifications).

NM_001005361.3(DNM2):c.384C>T (p.His128=)

Gene: DNM2 (dynamin 2; plus strand). Cytogenetic location: 19p13.2.
Variant type: single nucleotide variant.
Coding change: c.384C>T on transcript NM_001005361.3 (MANE Select); coding-DNA position 384, C replaced by T.
Protein change: p.His128=; no amino-acid change (histidine 128 retained).
Molecular consequence: synonymous variant.
Genome position (GRCh38, 1-based): chr19:10,772,627, C>T. VCF-style: chr19-10772627-C-T. GRCh37 (hg19) VCF-style: chr19-10883303-C-T.
Other names: c.384C>T, p.His128= (NM_001005360.3, NM_001005362.3, NM_001190716.2 and 1 more transcripts).
Identifiers: ClinVar variation 574489 (VCV000574489.13), dbSNP rs201089328, ClinGen allele CA9200771.
Genomic context (GRCh38, chr19:10,772,627, plus strand): 5'-CACGGGGACCAACAAAGGCATCTCCCCAGTGCCCATCAACCTTCGAGTCTACTCGCCACA[C>T]GGTAGGCAGCACGGGTGGGGACCCATCACTGACCGTTTCTGGTCGTTCATGGACAGTGCT-3'
Protein context (NP_001005361.1, residues 118-138): VPINLRVYSP[His128=]VLNLTLIDLP